The following is an entry in ClinVar:

ClinVar aggregate classification (germline): Uncertain significance. Review status: criteria provided, single submitter (1 of 4 stars). 2 submissions from 2 submitters: Uncertain significance (1). 1 of the submissions does not count toward it. Last evaluated 2025-09-02.

Conditions:
Glucose-6-phosphate transport defect (GSD1B). Also called: Glycogen Storage Disease Type Ib; GSD Ib. Identifiers: Orphanet 364, Orphanet 79259, MedGen C0268146, MONDO:0009288, OMIM 232220.

Allele frequency attached by ClinVar (database versions not stated): gnomAD exomes below 0.00001.

Submissions (2):

Labcorp Genetics (formerly Invitae), Labcorp
Classification: Uncertain significance for Glucose-6-phosphate transport defect. Last evaluated: 2025-09-02. Review status: criteria provided, single submitter. Criteria: Invitae Variant Classification Sherloc (09022015). Collection method: clinical testing. Allele origin: germline.
Comment: This sequence change replaces isoleucine, which is neutral and non-polar, with valine, which is neutral and non-polar, at codon 62 of the SLC37A4 protein (p.Ile62Val). This variant is not present in population databases (gnomAD no frequency). This variant has not been reported in the literature in individuals affected with SLC37A4-related conditions. ClinVar contains an entry for this variant (Variation ID: 551565). Invitae Evidence Modeling of protein sequence and biophysical properties (such as structural, functional, and spatial information, amino acid conservation, physicochemical variation, residue mobility, and thermodynamic stability) indicates that this missense variant is not expected to disrupt SLC37A4 protein function with a negative predictive value of 80%. In summary, the available evidence is currently insufficient to determine the role of this variant in disease. Therefore, it has been classified as a Variant of Uncertain Significance.

Counsyl
Classification: Uncertain significance for Glucose-6-phosphate transport defect. Last evaluated: 2017-04-18. Review status: no assertion criteria provided. Collection method: clinical testing. Allele origin: unknown. Not counted in ClinVar's aggregate classification.

NM_001164277.2(SLC37A4):c.184A>G (p.Ile62Val)

Gene: SLC37A4 (solute carrier family 37 member 4; minus strand). Cytogenetic location: 11q23.3.
Variant type: single nucleotide variant.
Coding change: c.184A>G on transcript NM_001164277.2 (MANE Select); coding-DNA position 184, A replaced by G.
Protein change: p.Ile62Val; replaces isoleucine 62 with valine.
Molecular consequence: missense variant. On other transcripts: 5 prime UTR variant (1).
Genome position (GRCh38, 1-based): chr11:119,028,391, T>C on the plus strand (A>G on the coding strand, the complement: SLC37A4 is on the minus strand). VCF-style: chr11-119028391-T-C. GRCh37 (hg19) VCF-style: chr11-118899101-T-C.
Other names: c.184A>G, p.Ile62Val (NM_001164278.2, NM_001164280.2, NM_001467.6); c.-36A>G (NM_001164279.2); short protein forms I62V.
Identifiers: ClinVar variation 551565 (VCV000551565.6), dbSNP rs1555191625, ClinGen allele CA382906294.